The following is an entry in ClinVar:

ClinVar aggregate classification (germline): Uncertain significance (1 of 4 stars; one submission).

Submission:

Ambry Genetics
Classification: Uncertain significance. Last evaluated: 2024-11-18. Review status: criteria provided, single submitter. Criteria: Ambry Variant Classification Scheme 2023. Collection method: clinical testing. Allele origin: germline.
Comment: The p.G132R variant (also known as c.394G>C), located in coding exon 4 of the RAD51B gene, results from a G to C substitution at nucleotide position 394. The glycine at codon 132 is replaced by arginine, an amino acid with dissimilar properties. This amino acid position is conserved. In addition, this alteration is predicted to be deleterious by in silico analysis. Based on the available evidence, the clinical significance of this variant remains unclear.

NM_133510.4(RAD51B):c.394G>C (p.Gly132Arg)

Gene: RAD51B (RAD51 paralog B; plus strand). Cytogenetic location: 14q24.1.
Variant type: single nucleotide variant.
Coding change: c.394G>C on transcript NM_133510.4 (MANE Select); coding-DNA position 394, G replaced by C.
Protein change: p.Gly132Arg; replaces glycine 132 with arginine.
Molecular consequence: missense variant.
Genome position (GRCh38, 1-based): chr14:67,865,081, G>C. VCF-style: chr14-67865081-G-C. GRCh37 (hg19) VCF-style: chr14-68331798-G-C.
Other names: c.394G>C, p.Gly132Arg (NM_001321809.2, NM_001321810.2, NM_001321812.1 and 6 more transcripts); c.280G>C, p.Gly94Arg (NM_001321815.1); c.37G>C, p.Gly13Arg (NM_001321817.2); short protein forms G13R, G94R, G132R.
Identifiers: ClinVar variation 3429622 (VCV003429622.1).